The following is an entry in ClinVar:

NM_000257.4(MYH7):c.1314G>C (p.Trp438Cys)

Gene: MYH7 (myosin heavy chain 7; minus strand). Cytogenetic location: 14q11.2.
Variant type: single nucleotide variant.
Coding change: c.1314G>C on transcript NM_000257.4 (MANE Select); coding-DNA position 1314, G replaced by C.
Protein change: p.Trp438Cys; replaces tryptophan 438 with cysteine.
Molecular consequence: missense variant.
Genome position (GRCh38, 1-based): chr14:23,429,048, C>G on the plus strand (G>C on the coding strand, the complement: MYH7 is on the minus strand). VCF-style: chr14-23429048-C-G. GRCh37 (hg19) VCF-style: chr14-23898257-C-G.
Other names: c.1314G>C, p.Trp438Cys (NM_001407004.1); short protein forms W438C.
Identifiers: ClinVar variation 1929448 (VCV001929448.5), dbSNP rs2502302259, ClinGen allele CA389050880.
Genomic context (GRCh38, chr14:23,429,048, plus strand): 5'-TCCTATGAAGTACTGGCGTGGCTGCTTGGTCTCCAGGGTGGCATTGATGCGCGTCACCAT[C>G]CAGTTGAACATCCTCTCATACACTGCCTTGGCCAGTGCCCCAGTGGCATATATCACCTGC-3'
Protein context (NP_000248.2, residues 428-448): AKAVYERMFN[Trp438Cys]MVTRINATLE

ClinVar aggregate classification (germline): Uncertain significance (1 of 4 stars; one submission).

Conditions:
Hypertrophic cardiomyopathy. Also called: HYPERTROPHIC MYOCARDIOPATHY. Identifiers: Orphanet 217569, MedGen C0007194, MeSH D002312, MONDO:0005045, HP:0001639.

Submission:

Labcorp Genetics (formerly Invitae), Labcorp
Classification: Uncertain significance for Hypertrophic cardiomyopathy. Last evaluated: 2022-03-24. Review status: criteria provided, single submitter. Criteria: Invitae Variant Classification Sherloc (09022015). Collection method: clinical testing. Allele origin: germline.
Comment: This variant is not present in population databases (gnomAD no frequency). This missense change has been observed in individual(s) with clinical features of MYH7-related conditions (PMID: 30847666). Algorithms developed to predict the effect of missense changes on protein structure and function are either unavailable or do not agree on the potential impact of this missense change (SIFT: "Deleterious"; PolyPhen-2: "Probably Damaging"; Align-GVGD: "Class C0"). This variant is found within a region of MYH7 between codons 181 and 937 that contains the majority of the myosin head domain. Missense variants in this region have been shown to be significantly overrepresented in individuals with hypertrophic cardiomyopathy (PMID: 27532257). This sequence change replaces tryptophan, which is neutral and slightly polar, with cysteine, which is neutral and slightly polar, at codon 438 of the MYH7 protein (p.Trp438Cys). In summary, the available evidence is currently insufficient to determine the role of this variant in disease. Therefore, it has been classified as a Variant of Uncertain Significance.

Literature cited by the submitters: PubMed 30847666; PubMed 27532257.